The following is an entry in ClinVar:

ClinVar aggregate classification (germline): Uncertain significance (1 of 4 stars; one submission).

Conditions:
Atrioventricular septal defect 5 (AVSD5). Identifiers: MedGen C3280939, MONDO:0013769, OMIM 614474.

Allele frequency attached by ClinVar (database versions not stated): gnomAD exomes below 0.00001; TOPMed below 0.00001; ExAC 0.00001.
gnomAD v4.1: 1 of 1,614,134 alleles (0.000062%); no homozygotes.

Submission:

Labcorp Genetics (formerly Invitae), Labcorp
Classification: Uncertain significance for Atrioventricular septal defect 5. Last evaluated: 2022-09-03. Review status: criteria provided, single submitter. Criteria: Invitae Variant Classification Sherloc (09022015). Collection method: clinical testing. Allele origin: germline.
Comment: This sequence change replaces asparagine, which is neutral and polar, with serine, which is neutral and polar, at codon 458 of the GATA6 protein (p.Asn458Ser). This variant is present in population databases (rs765926114, gnomAD 0.0009%). This variant has not been reported in the literature in individuals affected with GATA6-related conditions. ClinVar contains an entry for this variant (Variation ID: 660546). Algorithms developed to predict the effect of missense changes on protein structure and function are either unavailable or do not agree on the potential impact of this missense change (SIFT: "Deleterious"; PolyPhen-2: "Probably Damaging"; Align-GVGD: "Class C0"). In summary, the available evidence is currently insufficient to determine the role of this variant in disease. Therefore, it has been classified as a Variant of Uncertain Significance.

NM_005257.6(GATA6):c.1373A>G (p.Asn458Ser)

Gene: GATA6 (GATA binding protein 6; plus strand). Cytogenetic location: 18q11.2.
Variant type: single nucleotide variant.
Coding change: c.1373A>G on transcript NM_005257.6 (MANE Select); coding-DNA position 1373, A replaced by G.
Protein change: p.Asn458Ser; replaces asparagine 458 with serine.
Molecular consequence: missense variant.
Genome position (GRCh38, 1-based): chr18:22,181,523, A>G. VCF-style: chr18-22181523-A-G. GRCh37 (hg19) VCF-style: chr18-19761484-A-G.
Other names: short protein forms N458S.
Identifiers: ClinVar variation 660546 (VCV000660546.8), dbSNP rs765926114, ClinGen allele CA8908969.